The following is an entry in ClinVar:

NM_015274.3(MAN2B2):c.285+36A>G

Gene: MAN2B2 (mannosidase alpha class 2B member 2; plus strand). Cytogenetic location: 4p16.1.
Variant type: single nucleotide variant.
Coding change: c.285+36A>G on transcript NM_015274.3 (MANE Select); 36 bases into the intron after coding-DNA position 285, A replaced by G.
Molecular consequence: intron variant.
Genome position (GRCh38, 1-based): chr4:6,576,760, A>G. VCF-style: chr4-6576760-A-G. GRCh37 (hg19) VCF-style: chr4-6578487-A-G.
Other names: c.285+36A>G (NM_001292038.2).
Identifiers: ClinVar variation 2688204 (VCV002688204.2), dbSNP rs4689485, ClinGen allele CA2840461.

ClinVar aggregate classification (germline): Benign (1 of 4 stars; one submission).

Allele frequency attached by ClinVar (database versions not stated): ESP Exome Variant Server 0.80324; TOPMed 0.81065; 1000 Genomes Project 30x 0.81449; gnomAD 0.81598; 1000 Genomes Project 0.82109; gnomAD exomes 0.83509; ExAC 0.83511.

Submission:

Unidad de Genómica Garrahan, Hospital de Pediatría Garrahan
Classification: Benign. Last evaluated: 2024-01-24. Review status: criteria provided, single submitter. Criteria: ACMG Guidelines, 2015. Collection method: clinical testing. Allele origin: germline. Affected: no. Observed: 94 variant alleles.
Comment: This variant is classified as Benign based on local population frequency. This variant was detected in 99% of patients studied by a panel of primary immunodeficiencies. Number of patients: 94. Only high quality variants are reported.